The following is an entry in ClinVar:

NM_024721.5(ZFHX4):c.3395-1G>A

Gene: ZFHX4 (zinc finger homeobox 4; plus strand). Cytogenetic location: 8q21.13.
Variant type: single nucleotide variant.
Coding change: c.3395-1G>A on transcript NM_024721.5 (MANE Select); the canonical splice acceptor site of the intron before coding-DNA position 3395, G replaced by A.
Molecular consequence: splice acceptor variant.
Genome position (GRCh38, 1-based): chr8:76,842,654, G>A. VCF-style: chr8-76842654-G-A. GRCh37 (hg19) VCF-style: chr8-77754890-G-A.
Other names: c.3317-1G>A (NM_001410934.1).
Identifiers: ClinVar variation 4881395 (VCV004881395.2).

ClinVar aggregate classification (germline): Uncertain significance (1 of 4 stars; one submission).

Submission:

Dasa
Classification: Uncertain significance. Last evaluated: 2026-04-03. Review status: criteria provided, single submitter. Criteria: DASA Assertion Criteria. Collection method: clinical testing. Allele origin: germline.
Comment: NM_024721.5(ZFHX4):c.3395-1G>A affects a canonical splice site and is predicted to disrupt normal RNA splicing. This variant is absent from population databases. The currently available literature and clinical evidence are not sufficient to establish a definitive association between this variant and the reported condition. Therefore, this variant is classified as a variant of uncertain significance.